The following is an entry in ClinVar:

NM_182931.3(KMT2E):c.3192TTC[1] (p.Ser1066del)

Gene: KMT2E (lysine methyltransferase 2E (inactive); plus strand). Cytogenetic location: 7q22.3.
Variant type: Microsatellite.
Coding change: c.3192TTC[1] on transcript NM_182931.3 (MANE Select); one copy of the 3-base unit TTC starting at c.3192; the reference has two copies in a row; one copy, 3 bases deleted.
Protein change: p.Ser1066del; deletes serine 1066.
Molecular consequence: inframe deletion. On other transcripts: inframe indel (1).
Genome position (GRCh38, 1-based): chr7:105,107,652-105,107,654, TTC deleted; deleting any 3 consecutive bases within chr7:105,107,649-105,107,654 gives the same sequence; the position shown is the placement nearest the transcript's 3' end. VCF-style (leftmost placement, unchanged base first): chr7-105107648-ATTC-A. GRCh37 (hg19) VCF-style: chr7-104748095-ATTC-A.
Other names: c.3192_3194TTC[1], p.Ser1066del (NM_001410908.1); c.3192TTC[1], p.Ser1066del (NM_018682.4); short protein forms S1066del.
Identifiers: ClinVar variation 2026217 (VCV002026217.4), dbSNP rs2536509909, ClinGen allele CA2580617062.

ClinVar aggregate classification (germline): Uncertain significance (1 of 4 stars; one submission).

Submission:

Labcorp Genetics (formerly Invitae), Labcorp
Classification: Uncertain significance. Last evaluated: 2024-10-15. Review status: criteria provided, single submitter. Criteria: Invitae Variant Classification Sherloc (09022015). Collection method: clinical testing. Allele origin: germline.
Comment: This variant, c.3195_3197del, results in the deletion of 1 amino acid(s) of the KMT2E protein (p.Ser1066del), but otherwise preserves the integrity of the reading frame. This variant is not present in population databases (gnomAD no frequency). This variant has not been reported in the literature in individuals affected with KMT2E-related conditions. Experimental studies and prediction algorithms are not available or were not evaluated, and the functional significance of this variant is currently unknown. In summary, the available evidence is currently insufficient to determine the role of this variant in disease. Therefore, it has been classified as a Variant of Uncertain Significance.